The following is an entry in ClinVar:

ClinVar aggregate classification (germline): Uncertain significance. Review status: criteria provided, multiple submitters, no conflicts (2 of 4 stars). 3 submissions from 3 submitters: Uncertain significance (3). Last evaluated 2025-07-23.

Conditions:
Charcot-Marie-Tooth disease. Also called: Charcot-Marie-Tooth Hereditary Neuropathy; Charcot-Marie-Tooth Neuropathy. Identifiers: Orphanet 166, MedGen C0007959, MONDO:0015626.
Charcot-Marie-Tooth disease type 2. Also called: Charcot-Marie-Tooth type 2. Identifiers: Orphanet 64746, MedGen C0270914, MONDO:0018993.

gnomAD v4.1: 4 of 1,614,160 alleles (0.00025%); highest among the groups gnomAD compares: Non-Finnish European, 0.00025%; no homozygotes.

Submissions (3):

Labcorp Genetics (formerly Invitae), Labcorp
Classification: Uncertain significance for Charcot-Marie-Tooth disease type 2. Last evaluated: 2025-07-23. Review status: criteria provided, single submitter. Criteria: Invitae Variant Classification Sherloc (09022015). Collection method: clinical testing. Allele origin: germline.
Comment: This sequence change replaces glutamic acid, which is acidic and polar, with lysine, which is basic and polar, at codon 268 of the MFN2 protein (p.Glu268Lys). This variant is present in population databases (no rsID available, gnomAD 0.006%). This missense change has been observed in individual(s) with Charcot-Marie-Tooth disease (PMID: 32376792). ClinVar contains an entry for this variant (Variation ID: 917373). Invitae Evidence Modeling of protein sequence and biophysical properties (such as structural, functional, and spatial information, amino acid conservation, physicochemical variation, residue mobility, and thermodynamic stability) indicates that this missense variant is expected to disrupt MFN2 protein function with a positive predictive value of 95%. In summary, the available evidence is currently insufficient to determine the role of this variant in disease. Therefore, it has been classified as a Variant of Uncertain Significance.

GeneDx
Classification: Uncertain significance. Last evaluated: 2023-07-07. Review status: criteria provided, single submitter. Criteria: GeneDx Variant Classification Process June 2021. Collection method: clinical testing. Allele origin: germline. Affected: yes.
Comment: Reported as a variant of uncertain significance in an individual with Charcot-Marie-Tooth disease in the published literature (Volodarsky et al., 2021); Not observed at significant frequency in large population cohorts (gnomAD); In silico analysis supports that this missense variant has a deleterious effect on protein structure/function; This variant is associated with the following publications: (PMID: 24863639, 32376792)

Molecular Genetics Laboratory, London Health Sciences Centre
Classification: Uncertain significance for Charcot-Marie-Tooth disease. Review status: criteria provided, single submitter. Criteria: ACMG Guidelines, 2015. Collection method: clinical testing. Allele origin: germline. Affected: yes.

Literature cited by the submitters: PubMed 32376792 (cited by Labcorp Genetics (formerly Invitae), Labcorp).

NM_014874.4(MFN2):c.802G>A (p.Glu268Lys)

Gene: MFN2 (mitofusin 2; plus strand). Cytogenetic location: 1p36.22.
Variant type: single nucleotide variant.
Coding change: c.802G>A on transcript NM_014874.4 (MANE Select); coding-DNA position 802, G replaced by A.
Protein change: p.Glu268Lys; replaces glutamic acid 268 with lysine.
Molecular consequence: missense variant.
Genome position (GRCh38, 1-based): chr1:11,999,081, G>A. VCF-style: chr1-11999081-G-A. GRCh37 (hg19) VCF-style: chr1-12059138-G-A.
Other names: c.802G>A, p.Glu268Lys (NM_001127660.2); short protein forms E268K.
Identifiers: ClinVar variation 917373 (VCV000917373.9), dbSNP rs1453267972, ClinGen allele CA338439448.